The following is an entry in ClinVar:

ClinVar aggregate classification (germline): Uncertain significance (1 of 4 stars; one submission).

Allele frequency attached by ClinVar (database versions not stated): gnomAD exomes below 0.00001.
gnomAD v4.1: 3 of 1,613,890 alleles (0.00019%); highest among the groups gnomAD compares: Non-Finnish European, 0.00025%; no homozygotes.

Submission:

GeneDx
Classification: Uncertain significance. Last evaluated: 2022-11-01. Review status: criteria provided, single submitter. Criteria: GeneDx Variant Classification Process June 2021. Collection method: clinical testing. Allele origin: germline. Affected: yes.
Comment: Not observed at significant frequency in large population cohorts (gnomAD); In silico analysis supports that this missense variant has a deleterious effect on protein structure/function; Has not been previously published as pathogenic or benign to our knowledge

NM_001615.4(ACTG2):c.137T>C (p.Val46Ala)

Gene: ACTG2 (actin gamma 2, smooth muscle; plus strand). Cytogenetic location: 2p13.1.
Variant type: single nucleotide variant.
Coding change: c.137T>C on transcript NM_001615.4 (MANE Select); coding-DNA position 137, T replaced by C.
Protein change: p.Val46Ala; replaces valine 46 with alanine.
Molecular consequence: missense variant. On other transcripts: intron variant (1).
Genome position (GRCh38, 1-based): chr2:73,902,370, T>C. VCF-style: chr2-73902370-T-C. GRCh37 (hg19) VCF-style: chr2-74129497-T-C.
Other names: c.126+933T>C (NM_001199893.2); short protein forms V46A.
Identifiers: ClinVar variation 2500567 (VCV002500567.1), dbSNP rs2466893610, ClinGen allele CA347302166.
Genomic context (GRCh38, chr2:73,902,370, plus strand): 5'-GTGTGGAGCCCTCAGCCATTCATTTCTCTTTTCTTCTTTTTGCATTGCAGGGTGTGATGG[T>C]GGGAATGGGCCAGAAAGACAGCTATGTGGGGGATGAGGCTCAGAGCAAGCGAGGGATCCT-3'
Protein context (NP_001606.1, residues 36-56): VGRPRHQGVM[Val46Ala]GMGQKDSYVG